The following is an entry in ClinVar:

ClinVar aggregate classification (germline): Uncertain significance. Review status: criteria provided, multiple submitters, no conflicts (2 of 4 stars). 2 submissions from 2 submitters: Uncertain significance (2). Last evaluated 2025-05-01.

Conditions:
Epidermolysis bullosa simplex 5B, with muscular dystrophy (EBS5B). Also called: EPIDERMOLYSIS BULLOSA SIMPLEX AND LIMB-GIRDLE MUSCULAR DYSTROPHY; Epidermolysis bullosa simplex with muscular dystrophy. Identifiers: Orphanet 257, MedGen C2931072, MONDO:0009181, OMIM 226670.
Epidermolysis bullosa simplex, Ogna type (EBS5A). Also called: EPIDERMOLYSIS BULLOSA SIMPLEX 5A, OGNA TYPE; Pidermolysis bullosa simplex 5A, Ogna type. Identifiers: Orphanet 79401, MedGen C0432317, MONDO:0007555, OMIM 131950.
Epidermolysis bullosa simplex 5C, with pyloric atresia (EBS5C). Also called: Epidermolysis bullosa simplex with pyloric atresia; PLEC-Related Epidermolysis Bullosa with Pyloric Atresia; PLEC1-Related Epidermolysis Bullosa with Pyloric Atresia. Identifiers: Orphanet 158684, MedGen C2677349, MONDO:0012807, OMIM 612138.
Autosomal recessive limb-girdle muscular dystrophy type 2Q (LGMDR17). Also called: MUSCULAR DYSTROPHY, LIMB-GIRDLE, AUTOSOMAL RECESSIVE 17. Identifiers: Orphanet 254361, MedGen C3150989, MONDO:0013390, OMIM 613723.
Epidermolysis bullosa simplex with nail dystrophy (EBS5D). Identifiers: MedGen C4225309, MONDO:0014661, OMIM 616487.
Inborn genetic diseases. Identifiers: MedGen C0950123, MeSH D030342.

Allele frequency attached by ClinVar (database versions not stated): TOPMed below 0.00001; gnomAD 0.00001; gnomAD exomes 0.00003 and 0.00004; ExAC 0.00004; 1000 Genomes Project 30x 0.00016.

Submissions (2):

Labcorp Genetics (formerly Invitae), Labcorp
Classification: Uncertain significance for Autosomal recessive limb-girdle muscular dystrophy type 2Q; Epidermolysis bullosa simplex, Ogna type; Epidermolysis bullosa simplex with nail dystrophy; Epidermolysis bullosa simplex 5C, with pyloric atresia; Epidermolysis bullosa simplex 5B, with muscular dystrophy. Last evaluated: 2025-05-01. Review status: criteria provided, single submitter. Criteria: Invitae Variant Classification Sherloc (09022015). Collection method: clinical testing. Allele origin: germline.
Comment: This sequence change replaces arginine, which is basic and polar, with cysteine, which is neutral and slightly polar, at codon 4134 of the PLEC protein (p.Arg4134Cys). This variant is present in population databases (rs781972499, gnomAD 0.06%). This variant has not been reported in the literature in individuals affected with PLEC-related conditions. ClinVar contains an entry for this variant (Variation ID: 1017533). Invitae Evidence Modeling of protein sequence and biophysical properties (such as structural, functional, and spatial information, amino acid conservation, physicochemical variation, residue mobility, and thermodynamic stability) has been performed for this missense variant. However, the output from this modeling did not meet the statistical confidence thresholds required to predict the impact of this variant on PLEC protein function. In summary, the available evidence is currently insufficient to determine the role of this variant in disease. Therefore, it has been classified as a Variant of Uncertain Significance.

Ambry Genetics
Classification: Uncertain significance for Inborn genetic diseases. Last evaluated: 2024-03-18. Review status: criteria provided, single submitter. Criteria: Ambry Variant Classification Scheme 2023. Collection method: clinical testing. Allele origin: germline.

NM_201384.3(PLEC):c.12319C>T (p.Arg4107Cys)

Gene: PLEC (plectin; minus strand). Cytogenetic location: 8q24.3.
Variant type: single nucleotide variant.
Coding change: c.12319C>T on transcript NM_201384.3 (MANE Select); coding-DNA position 12319, C replaced by T.
Protein change: p.Arg4107Cys; replaces arginine 4107 with cysteine.
Molecular consequence: missense variant.
Genome position (GRCh38, 1-based): chr8:143,917,502, G>A on the plus strand (C>T on the coding strand, the complement: PLEC is on the minus strand). VCF-style: chr8-143917502-G-A. GRCh37 (hg19) VCF-style: chr8-144991670-G-A.
Other names: c.12400C>T (NM_000445.3); c.12400C>T, p.Arg4134Cys (NM_000445.5); c.12277C>T, p.Arg4093Cys (NM_201378.4); c.12253C>T, p.Arg4085Cys (NM_201379.3); c.12730C>T, p.Arg4244Cys (NM_201380.4); c.12223C>T, p.Arg4075Cys (NM_201381.3); c.12319C>T, p.Arg4107Cys (NM_201382.4); c.12331C>T, p.Arg4111Cys (NM_201383.3); short protein forms R4075C, R4085C, R4093C, R4107C, R4111C, R4134C, R4244C.
Identifiers: ClinVar variation 1017533 (VCV001017533.8), dbSNP rs781972499, ClinGen allele CA4924122.